The following is an entry in ClinVar:

ClinVar aggregate classification (germline): Uncertain significance (1 of 4 stars; one submission).

Conditions:
Cardiovascular phenotype. Identifiers: MedGen CN230736.
Hereditary cancer-predisposing syndrome. Also called: Neoplastic Syndromes, Hereditary; Tumor predisposition; Hereditary Cancer Syndrome; Hereditary neoplastic syndrome. Identifiers: Orphanet 140162, MedGen C0027672, MeSH D009386, MONDO:0015356.

Submission:

Ambry Genetics
Classification: Uncertain significance for Cardiovascular phenotype; Hereditary cancer-predisposing syndrome. Last evaluated: 2026-05-21. Review status: criteria provided, single submitter. Criteria: Ambry Variant Classification Scheme 2023. Collection method: clinical testing. Allele origin: germline.
Comment: The p.K505N variant (also known as c.1515G>C), located in coding exon 13 of the NF1 gene, results from a G to C substitution at nucleotide position 1515. The lysine at codon 505 is replaced by asparagine, an amino acid with similar properties. This amino acid position is highly conserved in available vertebrate species. In addition, this alteration is predicted to be tolerated by in silico analysis. Based on the available evidence, the clinical significance of this variant remains unclear.

NM_001042492.3(NF1):c.1515G>C (p.Lys505Asn)

Gene: NF1 (neurofibromin 1; plus strand). Cytogenetic location: 17q11.2.
Variant type: single nucleotide variant.
Coding change: c.1515G>C on transcript NM_001042492.3 (MANE Select); coding-DNA position 1515, G replaced by C.
Protein change: p.Lys505Asn; replaces lysine 505 with asparagine.
Molecular consequence: missense variant.
Genome position (GRCh38, 1-based): chr17:31,214,573, G>C. VCF-style: chr17-31214573-G-C. GRCh37 (hg19) VCF-style: chr17-29541591-G-C.
Other names: c.1515G>C, p.Lys505Asn (NM_000267.4, NM_001128147.3); short protein forms K505N.
Identifiers: ClinVar variation 1774308 (VCV001774308.3), dbSNP rs1555612290, ClinGen allele CA399001683.
Genomic context (GRCh38, chr17:31,214,573, plus strand): 5'-GACAAGAAGCTATAAGTATCTTCTCTTGTCCATGGTGAAACTAATTCATGCAGATCCAAA[G>C]CTCTTGCTTTGTGTAAGTATTTTTTTATGAAATGTCTCAAAATTATCACACTAAGTTAAT-3'
Protein context (NP_001035957.1, residues 495-515): SMVKLIHADP[Lys505Asn]LLLCNPRKQG